The following is an entry in ClinVar:

NM_052947.4(ALPK2):c.469A>G (p.Thr157Ala)

Gene: ALPK2 (alpha kinase 2; minus strand). Cytogenetic location: 18q21.31.
Variant type: single nucleotide variant.
Coding change: c.469A>G on transcript NM_052947.4 (MANE Select); coding-DNA position 469, A replaced by G.
Protein change: p.Thr157Ala; replaces threonine 157 with alanine.
Molecular consequence: missense variant.
Genome position (GRCh38, 1-based): chr18:58,580,307, T>C on the plus strand (A>G on the coding strand, the complement: ALPK2 is on the minus strand). VCF-style: chr18-58580307-T-C. GRCh37 (hg19) VCF-style: chr18-56247539-T-C.
Other names: short protein forms T157A.
Identifiers: ClinVar variation 1742508 (VCV001742508.3), dbSNP rs2051951159, ClinGen allele CA402567901.

ClinVar aggregate classification (germline): Uncertain significance (1 of 4 stars; one submission).

Allele frequency attached by ClinVar (database versions not stated): TOPMed below 0.00001.

Submission:

Ambry Genetics
Classification: Uncertain significance. Last evaluated: 2024-08-22. Review status: criteria provided, single submitter. Criteria: Ambry Variant Classification Scheme 2023. Collection method: clinical testing. Allele origin: germline.
Comment: The p.T157A variant (also known as c.469A>G), located in coding exon 3 of the ALPK2 gene, results from an A to G substitution at nucleotide position 469. The threonine at codon 157 is replaced by alanine, an amino acid with similar properties. This amino acid position is conserved. In addition, this alteration is predicted to be tolerated by in silico analysis. Since supporting evidence is limited at this time, the clinical significance of this alteration remains unclear.